The following is an entry in ClinVar:

NM_001297.5(CNGB1):c.112G>C (p.Glu38Gln)

Gene: CNGB1 (cyclic nucleotide gated channel subunit beta 1; minus strand). Cytogenetic location: 16q21.
Variant type: single nucleotide variant.
Coding change: c.112G>C on transcript NM_001297.5 (MANE Select); coding-DNA position 112, G replaced by C.
Protein change: p.Glu38Gln; replaces glutamic acid 38 with glutamine.
Molecular consequence: missense variant.
Genome position (GRCh38, 1-based): chr16:57,967,175, C>G on the plus strand (G>C on the coding strand, the complement: CNGB1 is on the minus strand). VCF-style: chr16-57967175-C-G. GRCh37 (hg19) VCF-style: chr16-58001079-C-G.
Other names: c.112G>C, p.Glu38Gln (NM_001135639.2, NM_001286130.2); short protein forms E38Q.
Identifiers: ClinVar variation 1442834 (VCV001442834.6), dbSNP rs2149390170, ClinGen allele CA396063664.

ClinVar aggregate classification (germline): Uncertain significance (1 of 4 stars; one submission).

Submission:

Labcorp Genetics (formerly Invitae), Labcorp
Classification: Uncertain significance. Last evaluated: 2023-07-03. Review status: criteria provided, single submitter. Criteria: Invitae Variant Classification Sherloc (09022015). Collection method: clinical testing. Allele origin: germline.
Comment: This sequence change replaces glutamic acid, which is acidic and polar, with glutamine, which is neutral and polar, at codon 38 of the CNGB1 protein (p.Glu38Gln). This variant is not present in population databases (gnomAD no frequency). This variant has not been reported in the literature in individuals affected with CNGB1-related conditions. ClinVar contains an entry for this variant (Variation ID: 1442834). Advanced modeling of protein sequence and biophysical properties (such as structural, functional, and spatial information, amino acid conservation, physicochemical variation, residue mobility, and thermodynamic stability) performed at Invitae indicates that this missense variant is not expected to disrupt CNGB1 protein function. In summary, the available evidence is currently insufficient to determine the role of this variant in disease. Therefore, it has been classified as a Variant of Uncertain Significance.